The following is an entry in ClinVar:

ClinVar aggregate classification (germline): Uncertain significance (1 of 4 stars; one submission).

Conditions:
SEMA3G-related disorder. Also called: SEMA3G-related condition.

Submission:

PreventionGenetics, part of Exact Sciences
Classification: Uncertain significance for SEMA3G-related condition. Last evaluated: 2025-11-19. Review status: criteria provided, single submitter. Criteria: ACMG Guidelines, 2015. Collection method: clinical testing. Allele origin: germline.
Comment: The SEMA3G c.1552C>T variant is predicted to result in the amino acid substitution p.Arg518Trp. To our knowledge, this variant has not been reported in the literature. This variant is reported in 0.016% of alleles in individuals of South Asian descent in gnomAD. At this time, the clinical significance of this variant is uncertain due to the absence of conclusive functional and genetic evidence.

NM_020163.3(SEMA3G):c.1552C>T (p.Arg518Trp)

Gene: SEMA3G (semaphorin 3G; minus strand). Cytogenetic location: 3p21.1.
Variant type: single nucleotide variant.
Coding change: c.1552C>T on transcript NM_020163.3 (MANE Select); coding-DNA position 1552, C replaced by T.
Protein change: p.Arg518Trp; replaces arginine 518 with tryptophan.
Molecular consequence: missense variant.
Genome position (GRCh38, 1-based): chr3:52,438,157, G>A on the plus strand (C>T on the coding strand, the complement: SEMA3G is on the minus strand). VCF-style: chr3-52438157-G-A. GRCh37 (hg19) VCF-style: chr3-52472173-G-A.
Other names: short protein forms R518W.
Identifiers: ClinVar variation 4981302 (VCV004981302.1).
Genomic context (GRCh38, chr3:52,438,157, plus strand): 5'-GGTCCCGGGCCAGGCAGCACTCTGCACAGGCAGTGCCGTAAGTCTCACATTGGTGCAGCC[G>A]CAGCTGGGCCACACCCAGCCGAGAGCCCACGTATAGCATTTGCTGGGGAGGGACAGAAGC-3'
Protein context (NP_064548.1, residues 508-528): VGSRLGVAQL[Arg518Trp]LHQCETYGTA